The following is an entry in ClinVar:

ClinVar aggregate classification (germline): Uncertain significance (1 of 4 stars; one submission).

Submission:

GeneDx
Classification: Uncertain significance. Last evaluated: 2026-03-24. Review status: criteria provided, single submitter. Criteria: GeneDx Variant Classification Process June 2021. Collection method: clinical testing. Allele origin: germline.
Comment: Not observed at significant frequency in large population cohorts (gnomAD); In silico analysis supports that this missense variant has a deleterious effect on protein structure/function; Has not been previously published as pathogenic or benign to our knowledge

NM_001206998.2(ZNRF3):c.2527C>T (p.Pro843Ser)

Gene: ZNRF3 (zinc and ring finger 3; plus strand). Cytogenetic location: 22q12.1.
Variant type: single nucleotide variant.
Coding change: c.2527C>T on transcript NM_001206998.2 (MANE Select); coding-DNA position 2527, C replaced by T.
Protein change: p.Pro843Ser; replaces proline 843 with serine.
Molecular consequence: missense variant.
Genome position (GRCh38, 1-based): chr22:29,050,708, C>T. VCF-style: chr22-29050708-C-T. GRCh37 (hg19) VCF-style: chr22-29446696-C-T.
Other names: c.2227C>T, p.Pro743Ser (NM_032173.4); short protein forms P743S, P843S.
Identifiers: ClinVar variation 5017416 (VCV005017416.1).